The following is an entry in ClinVar:

ClinVar aggregate classification (germline): Conflicting classifications of pathogenicity. Review status: criteria provided, conflicting classifications (1 of 4 stars). 3 submissions from 3 submitters: Uncertain significance (2); Likely benign (1). Last evaluated 2026-02-01.

Conditions:
Myopathy, proximal, and ophthalmoplegia (CMYO6). Also called: CONGENITAL MYOPATHY 6 WITH OPHTHALMOPLEGIA; MYOPATHY WITH CONGENITAL JOINT CONTRACTURES, OPHTHALMOPLEGIA, AND RIMMED VACUOLES; INCLUSION BODY MYOPATHY 3, AUTOSOMAL DOMINANT. Identifiers: Orphanet 363677, Orphanet 79091, MedGen C1854106, MONDO:0011577, OMIM 605637.

Allele frequency attached by ClinVar (database versions not stated): ESP Exome Variant Server 0.00008; gnomAD exomes 0.00006 and 0.00016; gnomAD 0.00010 and 0.00012; TOPMed 0.00022; 1000 Genomes Project 0.00040; ExAC 0.00016; 1000 Genomes Project 30x 0.00031.
gnomAD v4.1: 111 of 1,614,132 alleles (0.0069%); highest among the groups gnomAD compares: East Asian, 0.15%; 1 homozygote.

Submissions (3):

Labcorp Genetics (formerly Invitae), Labcorp
Classification: Likely benign for Myopathy, proximal, and ophthalmoplegia. Last evaluated: 2026-02-01. Review status: criteria provided, single submitter. Criteria: Invitae Variant Classification Sherloc (09022015). Collection method: clinical testing. Allele origin: germline.

GeneDx
Classification: Uncertain significance. Last evaluated: 2025-09-30. Review status: criteria provided, single submitter. Criteria: GeneDx Variant Classification Process June 2021. Collection method: clinical testing. Allele origin: germline.
Comment: Observed with a variant on the opposite allele (in trans) in a patient with motor delay, intellectual disability, and hypotonia in published literature; however, the other variant is classified as benign (PMID: 30662633); In silico analysis supports that this missense variant has a deleterious effect on protein structure/function; This variant is associated with the following publications: (PMID: 30662633)

Revvity Omics, Revvity
Classification: Uncertain significance for Myopathy, proximal, and ophthalmoplegia. Last evaluated: 2025-03-12. Review status: criteria provided, single submitter. Criteria: ACMG Guidelines, 2015. Collection method: clinical testing. Allele origin: germline.

NM_017534.6(MYH2):c.2266G>A (p.Asp756Asn)

Genes: MYH2 (myosin heavy chain 2; minus strand), MYHAS (myosin heavy chain gene cluster antisense RNA; plus strand). Cytogenetic location: 17p13.1.
Variant type: single nucleotide variant.
Coding change: c.2266G>A on transcript NM_017534.6 (MANE Select); coding-DNA position 2266, G replaced by A.
Protein change: p.Asp756Asn; replaces aspartic acid 756 with asparagine.
Molecular consequence: missense variant.
Genome position (GRCh38, 1-based): chr17:10,533,547, C>T on the plus strand (G>A on the coding strand, the complement: MYH2 is on the minus strand). VCF-style: chr17-10533547-C-T. GRCh37 (hg19) VCF-style: chr17-10436864-C-T.
Other names: c.2266G>A, p.Asp756Asn (NM_001100112.2); short protein forms D756N.
Identifiers: ClinVar variation 465927 (VCV000465927.13), dbSNP rs202198533, ClinGen allele CA8391175.